The following is an entry in ClinVar:

NM_006180.6(NTRK2):c.173T>C (p.Leu58Ser)

Gene: NTRK2 (neurotrophic receptor tyrosine kinase 2; plus strand). Cytogenetic location: 9q21.33.
Variant type: single nucleotide variant.
Coding change: c.173T>C on transcript NM_006180.6 (MANE Select); coding-DNA position 173, T replaced by C.
Protein change: p.Leu58Ser; replaces leucine 58 with serine.
Molecular consequence: missense variant.
Genome position (GRCh38, 1-based): chr9:84,670,921, T>C. VCF-style: chr9-84670921-T-C. GRCh37 (hg19) VCF-style: chr9-87285836-T-C.
Other names: c.173T>C, p.Leu58Ser (NM_001007097.3, NM_001018064.3, NM_001018065.2 and 18 more transcripts); short protein forms L58S.
Identifiers: ClinVar variation 3681306 (VCV003681306.2).
Genomic context (GRCh38, chr9:84,670,921, plus strand): 5'-GCAGTGCCTCTCGGATCTGGTGCAGCGACCCTTCTCCTGGCATCGTGGCATTTCCGAGAT[T>C]GGAGCCTAACAGTGTAGATCCTGAGAACATCACCGAAATGTGAGTTCCTGGAGCTTTTCC-3'
Protein context (NP_006171.2, residues 48-68): PSPGIVAFPR[Leu58Ser]EPNSVDPENI

ClinVar aggregate classification (germline): Uncertain significance (1 of 4 stars; one submission).

Submission:

Labcorp Genetics (formerly Invitae), Labcorp
Classification: Uncertain significance. Last evaluated: 2024-07-16. Review status: criteria provided, single submitter. Criteria: Invitae Variant Classification Sherloc (09022015). Collection method: clinical testing. Allele origin: germline.
Comment: This sequence change replaces leucine, which is neutral and non-polar, with serine, which is neutral and polar, at codon 58 of the NTRK2 protein (p.Leu58Ser). This variant is present in population databases (rs747571706, gnomAD 0.0009%). This variant has not been reported in the literature in individuals affected with NTRK2-related conditions. Advanced modeling of protein sequence and biophysical properties (such as structural, functional, and spatial information, amino acid conservation, physicochemical variation, residue mobility, and thermodynamic stability) performed at Invitae indicates that this missense variant is not expected to disrupt NTRK2 protein function with a negative predictive value of 80%. In summary, the available evidence is currently insufficient to determine the role of this variant in disease. Therefore, it has been classified as a Variant of Uncertain Significance.